The following is an entry in ClinVar:

NM_001206999.2(CIT):c.148G>C (p.Gly50Arg)

Genes: CIT (citron rho-interacting serine/threonine kinase; minus strand), LOC126861657 (MED14-independent group 3 enhancer GRCh37_chr12:120306702-120307901; plus strand). Cytogenetic location: 12q24.23.
Variant type: single nucleotide variant.
Coding change: c.148G>C on transcript NM_001206999.2 (MANE Select); coding-DNA position 148, G replaced by C.
Protein change: p.Gly50Arg; replaces glycine 50 with arginine.
Molecular consequence: missense variant.
Genome position (GRCh38, 1-based): chr12:119,869,150, C>G on the plus strand (G>C on the coding strand, the complement: CIT is on the minus strand). VCF-style: chr12-119869150-C-G. GRCh37 (hg19) VCF-style: chr12-120306954-C-G.
Other names: c.148G>C, p.Gly50Arg (NM_007174.3); short protein forms G50R.
Identifiers: ClinVar variation 2428871 (VCV002428871.4), dbSNP rs1950595876, ClinGen allele CA386550776.

ClinVar aggregate classification (germline): Uncertain significance (1 of 4 stars; one submission).

Allele frequency attached by ClinVar (database versions not stated): gnomAD exomes below 0.00001; TOPMed below 0.00001.
gnomAD v4.1: 1 of 1,613,102 alleles (0.000062%); highest among the groups gnomAD compares: African/African-American, 0.0013%; no homozygotes.

Submission:

GeneDx
Classification: Uncertain significance. Last evaluated: 2022-08-05. Review status: criteria provided, single submitter. Criteria: GeneDx Variant Classification Process June 2021. Collection method: clinical testing. Allele origin: germline. Affected: yes.
Comment: Not observed at significant frequency in large population cohorts (gnomAD); In silico analysis supports that this missense variant has a deleterious effect on protein structure/function; Has not been previously published as pathogenic or benign to our knowledge